The following is an entry in ClinVar:

NM_152564.5(VPS13B):c.367C>T (p.Arg123Trp)

Gene: VPS13B (vacuolar protein sorting 13 homolog B; plus strand). Cytogenetic location: 8q22.2.
Variant type: single nucleotide variant.
Coding change: c.367C>T on transcript NM_152564.5 (MANE Select); coding-DNA position 367, C replaced by T.
Protein change: p.Arg123Trp; replaces arginine 123 with tryptophan.
Molecular consequence: missense variant. On other transcripts: non-coding transcript variant (1).
Genome position (GRCh38, 1-based): chr8:99,096,387, C>T. VCF-style: chr8-99096387-C-T. GRCh37 (hg19) VCF-style: chr8-100108615-C-T.
Other names: c.367C>T, p.Arg123Trp (NM_015243.3, NM_017890.5, NM_181661.3); c.367C>T (NM_152564.4, NM_017890.3); short protein forms R123W.
Identifiers: ClinVar variation 971479 (VCV000971479.13), dbSNP rs551933357, ClinGen allele CA4822355.

ClinVar aggregate classification (germline): Uncertain significance. Review status: criteria provided, multiple submitters, no conflicts (2 of 4 stars). 5 submissions from 5 submitters: Uncertain significance (3). 2 of the submissions do not count toward it. Last evaluated 2025-05-21.

Conditions:
Inborn genetic diseases. Identifiers: MedGen C0950123, MeSH D030342.
VPS13B-related disorder. Also called: VPS13B-related condition.
Cohen syndrome (COH1). Also called: PEPPER SYNDROME; Cutis verticis gyrata, retinitis pigmentosa, and sensorineural deafness. Identifiers: Orphanet 193, MedGen C0265223, MONDO:0008999, OMIM 216550.

Allele frequency attached by ClinVar (database versions not stated): TOPMed 0.00004; ExAC 0.00006; gnomAD 0.00006; 1000 Genomes Project 30x 0.00016; 1000 Genomes Project 0.00020.
gnomAD v4.1: 46 of 1,614,036 alleles (0.0028%); highest among the groups gnomAD compares: Admixed American, 0.013%; no homozygotes.

Submissions (5):

Ambry Genetics
Classification: Uncertain significance for Inborn genetic diseases. Last evaluated: 2025-05-21. Review status: criteria provided, single submitter. Criteria: Ambry Variant Classification Scheme 2023. Collection method: clinical testing. Allele origin: germline.

Blueprint Genetics
Classification: Uncertain significance. Last evaluated: 2023-10-13. Review status: criteria provided, single submitter. Criteria: ACMG Guidelines, 2015. Collection method: clinical testing. Allele origin: germline.

Labcorp Genetics (formerly Invitae), Labcorp
Classification: Uncertain significance for Cohen syndrome. Last evaluated: 2022-08-22. Review status: criteria provided, single submitter. Criteria: Invitae Variant Classification Sherloc (09022015). Collection method: clinical testing. Allele origin: germline.
Comment: This sequence change replaces arginine, which is basic and polar, with tryptophan, which is neutral and slightly polar, at codon 123 of the VPS13B protein (p.Arg123Trp). This variant is present in population databases (rs551933357, gnomAD 0.01%). This variant has not been reported in the literature in individuals affected with VPS13B-related conditions. ClinVar contains an entry for this variant (Variation ID: 971479). Algorithms developed to predict the effect of missense changes on protein structure and function are either unavailable or do not agree on the potential impact of this missense change (SIFT: "Not Available"; PolyPhen-2: "Possibly Damaging"; Align-GVGD: "Not Available"). In summary, the available evidence is currently insufficient to determine the role of this variant in disease. Therefore, it has been classified as a Variant of Uncertain Significance.

PreventionGenetics, part of Exact Sciences
Classification: Uncertain significance for VPS13B-related condition. Last evaluated: 2024-07-16. Review status: no assertion criteria provided. Collection method: clinical testing. Allele origin: germline. Not counted in ClinVar's aggregate classification.
Comment: The VPS13B c.367C>T variant is predicted to result in the amino acid substitution p.Arg123Trp. To our knowledge, this variant has not been reported in the literature. This variant is reported in 0.011% of alleles in individuals of Latino descent in gnomAD. At this time, the clinical significance of this variant is uncertain due to the absence of conclusive functional and genetic evidence.

Natera, Inc.
Classification: Uncertain significance for Cohen syndrome. Last evaluated: 2020-01-17. Review status: no assertion criteria provided. Collection method: clinical testing. Allele origin: germline. Not counted in ClinVar's aggregate classification.